The following is an entry in ClinVar:

NM_020778.5(ALPK3):c.868C>T (p.His290Tyr)

Gene: ALPK3 (alpha kinase 3; plus strand). Cytogenetic location: 15q25.3.
Variant type: single nucleotide variant.
Coding change: c.868C>T on transcript NM_020778.5 (MANE Select); coding-DNA position 868, C replaced by T.
Protein change: p.His290Tyr; replaces histidine 290 with tyrosine.
Molecular consequence: missense variant.
Genome position (GRCh38, 1-based): chr15:84,840,147, C>T. VCF-style: chr15-84840147-C-T. GRCh37 (hg19) VCF-style: chr15-85383378-C-T.
Other names: short protein forms H290Y.
Identifiers: ClinVar variation 1357937 (VCV001357937.8), dbSNP rs1963643300, ClinGen allele CA393373675.

ClinVar aggregate classification (germline): Uncertain significance (1 of 4 stars; one submission).

Allele frequency attached by ClinVar (database versions not stated): gnomAD exomes below 0.00001; gnomAD 0.00001.
gnomAD v4.1: 3 of 1,613,798 alleles (0.00019%); highest among the groups gnomAD compares: Non-Finnish European, 0.00017%; no homozygotes.

Submission:

Labcorp Genetics (formerly Invitae), Labcorp
Classification: Uncertain significance. Last evaluated: 2021-05-31. Review status: criteria provided, single submitter. Criteria: Invitae Variant Classification Sherloc (09022015). Collection method: clinical testing. Allele origin: germline.
Comment: In summary, the available evidence is currently insufficient to determine the role of this variant in disease. Therefore, it has been classified as a Variant of Uncertain Significance. Algorithms developed to predict the effect of sequence changes on RNA splicing suggest that this variant may create or strengthen a splice site, but this prediction has not been confirmed by published transcriptional studies. Algorithms developed to predict the effect of missense changes on protein structure and function are either unavailable or do not agree on the potential impact of this missense change (SIFT: "Deleterious"; PolyPhen-2: "Possibly Damaging"; Align-GVGD: "Class C0"). This variant has not been reported in the literature in individuals with ALPK3-related conditions. This variant is not present in population databases (ExAC no frequency). This sequence change replaces histidine with tyrosine at codon 492 of the ALPK3 protein (p.His492Tyr). The histidine residue is weakly conserved and there is a moderate physicochemical difference between histidine and tyrosine.